The following is an entry in ClinVar:

ClinVar aggregate classification (germline): Uncertain significance. Review status: criteria provided, multiple submitters, no conflicts (2 of 4 stars). 2 submissions from 2 submitters: Uncertain significance (2). Last evaluated 2025-08-10.

Conditions:
Inborn genetic diseases. Identifiers: MedGen C0950123, MeSH D030342.

Allele frequency attached by ClinVar (database versions not stated): TOPMed 0.00002; ExAC 0.00003; gnomAD 0.00003 and 0.00004; gnomAD exomes 0.00003 and 0.00004; ESP Exome Variant Server 0.00008.
gnomAD v4.1: 60 of 1,578,498 alleles (0.0038%); highest among the groups gnomAD compares: Non-Finnish European, 0.0044%; no homozygotes.

Submissions (2):

Ambry Genetics
Classification: Uncertain significance for Inborn genetic diseases. Last evaluated: 2025-08-10. Review status: criteria provided, single submitter. Criteria: Ambry Variant Classification Scheme 2023. Collection method: clinical testing. Allele origin: germline.

Labcorp Genetics (formerly Invitae), Labcorp
Classification: Uncertain significance. Last evaluated: 2022-10-18. Review status: criteria provided, single submitter. Criteria: Invitae Variant Classification Sherloc (09022015). Collection method: clinical testing. Allele origin: germline.
Comment: This sequence change replaces glutamic acid, which is acidic and polar, with glycine, which is neutral and non-polar, at codon 1290 of the MCM3AP protein (p.Glu1290Gly). This variant is present in population databases (rs145449243, gnomAD 0.006%). This variant has not been reported in the literature in individuals affected with MCM3AP-related conditions. ClinVar contains an entry for this variant (Variation ID: 1522199). Algorithms developed to predict the effect of missense changes on protein structure and function (SIFT, PolyPhen-2, Align-GVGD) all suggest that this variant is likely to be tolerated. In summary, the available evidence is currently insufficient to determine the role of this variant in disease. Therefore, it has been classified as a Variant of Uncertain Significance.

NM_003906.5(MCM3AP):c.3869A>G (p.Glu1290Gly)

Gene: MCM3AP (minichromosome maintenance complex component 3 associated protein; minus strand). Cytogenetic location: 21q22.3.
Variant type: single nucleotide variant.
Coding change: c.3869A>G on transcript NM_003906.5 (MANE Select); coding-DNA position 3869, A replaced by G.
Protein change: p.Glu1290Gly; replaces glutamic acid 1290 with glycine.
Molecular consequence: missense variant.
Genome position (GRCh38, 1-based): chr21:46,256,852, T>C on the plus strand (A>G on the coding strand, the complement: MCM3AP is on the minus strand). VCF-style: chr21-46256852-T-C. GRCh37 (hg19) VCF-style: chr21-47676766-T-C.
Other names: c.3869A>G (NM_003906.3); short protein forms E1290G.
Identifiers: ClinVar variation 1522199 (VCV001522199.5), dbSNP rs145449243, ClinGen allele CA10076340.